The following is an entry in ClinVar:

NM_000077.5(CDKN2A):c.236C>G (p.Thr79Ser)

Gene: CDKN2A (cyclin dependent kinase inhibitor 2A; minus strand). Cytogenetic location: 9p21.3.
Variant type: single nucleotide variant.
Coding change: c.236C>G on transcript NM_000077.5; coding-DNA position 236, C replaced by G.
Protein change: p.Thr79Ser; replaces threonine 79 with serine.
Molecular consequence: missense variant (on NM_000077.6). On other transcripts: 3 prime UTR variant (1).
Genome position (GRCh38, 1-based): chr9:21,971,123, G>C on the plus strand (C>G on the coding strand, the complement: CDKN2A is on the minus strand). VCF-style: chr9-21971123-G-C. GRCh37 (hg19) VCF-style: chr9-21971122-G-C.
Other names: c.236C>G, p.Thr79Ser (NM_000077.6, NM_001195132.2); c.83C>G, p.Thr28Ser (NM_001363763.2); c.279C>G, p.His93Gln (NM_058195.4); c.*159C>G (NM_058197.5); short protein forms H93Q, T28S, T79S.
Identifiers: ClinVar variation 967063 (VCV000967063.10), dbSNP rs1034265990, ClinGen allele CA373086259.

ClinVar aggregate classification (germline): Uncertain significance. Review status: criteria provided, multiple submitters, no conflicts (2 of 4 stars). 2 submissions from 2 submitters: Uncertain significance (2). Last evaluated 2023-11-15.

Conditions:
Hereditary cancer-predisposing syndrome. Also called: Neoplastic Syndromes, Hereditary; Tumor predisposition; Hereditary neoplastic syndrome; Hereditary Cancer Syndrome. Identifiers: Orphanet 140162, MedGen C0027672, MeSH D009386, MONDO:0015356.
Familial melanoma. Also called: Hereditary melanoma; Hereditary cutaneous melanoma. Identifiers: Orphanet 618, MedGen C1512419, MONDO:0018961.

Submissions (2):

Ambry Genetics
Classification: Uncertain significance for Hereditary cancer-predisposing syndrome. Last evaluated: 2023-11-15. Review status: criteria provided, single submitter. Criteria: Ambry Variant Classification Scheme 2023. Collection method: clinical testing. Allele origin: germline.
Comment: The p.T79S variant (also known as c.236C>G), located in coding exon 2 of the CDKN2A gene, results from a C to G substitution at nucleotide position 236. The threonine at codon 79 is replaced by serine, an amino acid with similar properties. This amino acid position is not well conserved in available vertebrate species. In addition, the in silico prediction for this alteration is inconclusive. Since supporting evidence is limited at this time, the clinical significance of this alteration remains unclear.

Labcorp Genetics (formerly Invitae), Labcorp
Classification: Uncertain significance for Familial melanoma. Last evaluated: 2020-11-06. Review status: criteria provided, single submitter. Criteria: Invitae Variant Classification Sherloc (09022015). Collection method: clinical testing. Allele origin: germline.
Comment: In summary, the available evidence is currently insufficient to determine the role of this variant in disease. Therefore, it has been classified as a Variant of Uncertain Significance. Algorithms developed to predict the effect of sequence changes on RNA splicing suggest that this variant may create or strengthen a splice site, but this prediction has not been confirmed by published transcriptional studies. Algorithms developed to predict the effect of missense changes on protein structure and function do not agree on the potential impact of p.His93Gln in p14ARF (SIFT: "Tolerated"; PolyPhen-2: "Possibly Damaging"; Align-GVGD: "Class C0"). These same algorithms all suggest that p.Thr79Ser in p16INK4a is likely to be tolerated. The serine amino acid residue at this position in p16INK4a is found in multiple mammalian species, suggesting that this missense change does not adversely affect protein function. These predictions have not been confirmed by published functional studies and their clinical significance is uncertain. This variant has not been reported in the literature in individuals with CDKN2A-related conditions. This variant is not present in population databases (ExAC no frequency). This sequence change replaces threonine with serine at codon 79 of the CDKN2A (p16INK4a) protein (p.Thr79Ser). The threonine residue is highly conserved and there is a small physicochemical difference between threonine and serine. Alternatively, this sequence change replaces histidine with glutamine at codon 93 of the CDKN2A (p14ARF) protein (p.His93Gln). The histidine residue is moderately conserved and there is a small physicochemical difference between histidine and glutamine. The CDKN2A gene encodes two different proteins, p16INK4a and p14ARF, which are translated from alternative transcripts that have different open reading frames.